The following is an entry in ClinVar:

NM_001040108.2(MLH3):c.673G>T (p.Glu225Ter)

Gene: MLH3 (mutL homolog 3; minus strand). Cytogenetic location: 14q24.3.
Variant type: single nucleotide variant.
Coding change: c.673G>T on transcript NM_001040108.2 (MANE Select); coding-DNA position 673, G replaced by T.
Protein change: p.Glu225Ter; replaces glutamic acid 225 with a stop codon.
Molecular consequence: nonsense.
Genome position (GRCh38, 1-based): chr14:75,048,983, C>A on the plus strand (G>T on the coding strand, the complement: MLH3 is on the minus strand). VCF-style: chr14-75048983-C-A. GRCh37 (hg19) VCF-style: chr14-75515686-C-A.
Other names: c.673G>T, p.Glu225Ter (NM_014381.3); short protein forms E225*.
Identifiers: ClinVar variation 4813027 (VCV004813027.1).
Genomic context (GRCh38, chr14:75,048,983, plus strand): 5'-AATGTGCTTCAGAGCTGATATAGCCACTAAGCTCAAACTCTTTATATTTAAAACTTATTT[C>A]TCTTAGCTTTTGGGACTTTCCCAATCCATAAATTTGACAAAATCGGGAACATACGTCTTT-3'

ClinVar aggregate classification (germline): Pathogenic (1 of 4 stars; one submission).

Conditions:
Colorectal cancer, hereditary nonpolyposis, type 7. Identifiers: Orphanet 144, MedGen C1858380, MONDO:0013725, OMIM 614385.

gnomAD v4.1: 4 of 1,613,892 alleles (0.00025%); highest among the groups gnomAD compares: African/African-American, 0.0013%; no homozygotes.

Submission:

Myriad Genetics, Inc.
Classification: Pathogenic for Colorectal cancer, hereditary nonpolyposis, type 7. Last evaluated: 2025-12-18. Review status: criteria provided, single submitter. Criteria: Myriad Autosomal Dominant, Autosomal Recessive and X-Linked Classification Criteria (2023). Collection method: clinical testing. Allele origin: unknown.
Comment: This variant is considered pathogenic. This variant creates a termination codon and is predicted to result in premature protein truncation.